The following is an entry in ClinVar:

ClinVar aggregate classification (germline): Likely benign. Review status: criteria provided, multiple submitters, no conflicts (2 of 4 stars). 3 submissions from 3 submitters: Likely benign (3). Last evaluated 2025-03-11.

Conditions:
Familial thoracic aortic aneurysm and aortic dissection (TAAD). Also called: Thoracic aortic aneurysms and dissections. Identifiers: Orphanet 91387, MedGen C4707243, MONDO:0019625.
Marfan syndrome (MFS). Also called: Marfan syndrome, classic; Marfan syndrome type 1; Marfan's syndrome; FBN1-Related Marfan Syndrome; MARFAN SYNDROME, TYPE I. Identifiers: Orphanet 284963, Orphanet 558, MedGen C0024796, MONDO:0007947, OMIM 154700.

Allele frequency attached by ClinVar (database versions not stated): gnomAD 0.00001; gnomAD exomes 0.00002; TOPMed 0.00002; ExAC 0.00002.
gnomAD v4.1: 28 of 1,613,148 alleles (0.0017%); highest among the groups gnomAD compares: Admixed American, 0.0067%; no homozygotes.

Submissions (3):

Labcorp Genetics (formerly Invitae), Labcorp
Classification: Likely benign for Marfan syndrome; Familial thoracic aortic aneurysm and aortic dissection. Last evaluated: 2025-03-11. Review status: criteria provided, single submitter. Criteria: Invitae Variant Classification Sherloc (09022015). Collection method: clinical testing. Allele origin: germline.

All of Us Research Program, National Institutes of Health
Classification: Likely benign for Marfan syndrome. Last evaluated: 2023-11-20. Review status: criteria provided, single submitter. Criteria: ACMG Guidelines, 2015. Collection method: clinical testing. Allele origin: germline. Inheritance: Autosomal dominant inheritance. Observed: 2 variant alleles, 2 heterozygotes.
Comment: This study involves interpretation of variants in research participants for the purpose of population health screening. Participant phenotype was not available at the time of variant classification. Additional details can be found in publication PMID: 35346344, PMCID: PMC8962531

Color Diagnostics, LLC DBA Color Health
Classification: Likely benign for Familial thoracic aortic aneurysm and aortic dissection. Last evaluated: 2019-04-15. Review status: criteria provided, single submitter. Criteria: ACMG Guidelines, 2015. Collection method: clinical testing. Allele origin: germline.

NM_000138.5(FBN1):c.1715-14T>G

Gene: FBN1 (fibrillin 1; minus strand). Cytogenetic location: 15q21.1.
Variant type: single nucleotide variant.
Coding change: c.1715-14T>G on transcript NM_000138.5 (MANE Select); 14 bases into the intron before coding-DNA position 1715, T replaced by G.
Molecular consequence: intron variant.
Genome position (GRCh38, 1-based): chr15:48,508,718, A>C on the plus strand (T>G on the coding strand, the complement: FBN1 is on the minus strand). VCF-style: chr15-48508718-A-C. GRCh37 (hg19) VCF-style: chr15-48800915-A-C.
Identifiers: ClinVar variation 926258 (VCV000926258.8), dbSNP rs753746089, ClinGen allele CA045731.